The following is an entry in ClinVar:

ClinVar aggregate classification (germline): Uncertain significance. Review status: criteria provided, multiple submitters, no conflicts (2 of 4 stars). 2 submissions from 2 submitters: Uncertain significance (2). Last evaluated 2025-06-23.

Conditions:
Medulloblastoma (MDB). Also called: Medulloblastoma, somatic; MEDULLOBLASTOMA PREDISPOSITION SYNDROME. Identifiers: Orphanet 616, MedGen C0025149, MeSH D008527, MONDO:0007959, OMIM 155255, HP:0002885.
Gorlin syndrome. Also called: Nevoid Basal Cell Carcinoma Syndrome; Basal cell nevus syndrome. Identifiers: Orphanet 377, MedGen C0004779, MONDO:0007187.
Hereditary cancer-predisposing syndrome. Also called: Tumor predisposition; Hereditary neoplastic syndrome; Neoplastic Syndromes, Hereditary; Hereditary Cancer Syndrome. Identifiers: Orphanet 140162, MedGen C0027672, MeSH D009386, MONDO:0015356.

Allele frequency attached by ClinVar (database versions not stated): gnomAD exomes below 0.00001; TOPMed below 0.00001; gnomAD 0.00001.
gnomAD v4.1: 2 of 1,614,104 alleles (0.00012%); highest among the groups gnomAD compares: African/African-American, 0.0027%; no homozygotes.

Submissions (2):

Ambry Genetics
Classification: Uncertain significance for Hereditary cancer-predisposing syndrome. Last evaluated: 2025-06-23. Review status: criteria provided, single submitter. Criteria: Ambry Variant Classification Scheme 2023. Collection method: clinical testing. Allele origin: germline.
Comment: The p.T108A variant (also known as c.322A>G), located in coding exon 3 of the SUFU gene, results from an A to G substitution at nucleotide position 322. The threonine at codon 108 is replaced by alanine, an amino acid with similar properties. This amino acid position is conserved. In addition, the in silico prediction for this alteration is inconclusive. Since supporting evidence is limited at this time, the clinical significance of this alteration remains unclear.

Labcorp Genetics (formerly Invitae), Labcorp
Classification: Uncertain significance for Gorlin syndrome; Medulloblastoma. Last evaluated: 2021-07-24. Review status: criteria provided, single submitter. Criteria: Invitae Variant Classification Sherloc (09022015). Collection method: clinical testing. Allele origin: germline.
Comment: In summary, the available evidence is currently insufficient to determine the role of this variant in disease. Therefore, it has been classified as a Variant of Uncertain Significance. Algorithms developed to predict the effect of sequence changes on RNA splicing suggest that this variant may create or strengthen a splice site, but this prediction has not been confirmed by published transcriptional studies. Algorithms developed to predict the effect of missense changes on protein structure and function (SIFT, PolyPhen-2, Align-GVGD) all suggest that this variant is likely to be tolerated, but these predictions have not been confirmed by published functional studies and their clinical significance is uncertain. This variant has not been reported in the literature in individuals with SUFU-related conditions. This variant is not present in population databases (ExAC no frequency). This sequence change replaces threonine with alanine at codon 108 of the SUFU protein (p.Thr108Ala). The threonine residue is highly conserved and there is a small physicochemical difference between threonine and alanine.

NM_016169.4(SUFU):c.322A>G (p.Thr108Ala)

Gene: SUFU (SUFU negative regulator of hedgehog signaling; plus strand). Cytogenetic location: 10q24.32.
Variant type: single nucleotide variant.
Coding change: c.322A>G on transcript NM_016169.4 (MANE Select); coding-DNA position 322, A replaced by G.
Protein change: p.Thr108Ala; replaces threonine 108 with alanine.
Molecular consequence: missense variant.
Genome position (GRCh38, 1-based): chr10:102,549,974, A>G. VCF-style: chr10-102549974-A-G. GRCh37 (hg19) VCF-style: chr10-104309731-A-G.
Other names: c.322A>G (NM_016169.3); c.322A>G, p.Thr108Ala (NM_001178133.2); short protein forms T108A.
Identifiers: ClinVar variation 1499938 (VCV001499938.11), dbSNP rs1425171528, ClinGen allele CA377902979.